The following is an entry in ClinVar:

ClinVar aggregate classification (germline): Uncertain significance (1 of 4 stars; one submission).

Allele frequency attached by ClinVar (database versions not stated): ExAC 0.00003; ESP Exome Variant Server 0.00015; gnomAD exomes 0.00001; TOPMed 0.00003; gnomAD 0.00004.
gnomAD v4.1: 18 of 1,599,006 alleles (0.0011%); highest among the groups gnomAD compares: African/African-American, 0.015%; no homozygotes.

Submission:

Labcorp Genetics (formerly Invitae), Labcorp
Classification: Uncertain significance. Last evaluated: 2025-11-04. Review status: criteria provided, single submitter. Criteria: Invitae Variant Classification Sherloc (09022015). Collection method: clinical testing. Allele origin: germline.
Comment: This sequence change falls in intron 7 of the ADGRA3 gene. It does not directly change the encoded amino acid sequence of the ADGRA3 protein. It affects a nucleotide within the consensus splice site. This variant is present in population databases (rs370244178, gnomAD 0.03%). This variant has not been reported in the literature in individuals affected with ADGRA3-related conditions. ClinVar contains an entry for this variant (Variation ID: 2870910). Variants that disrupt the consensus splice site are a relatively common cause of aberrant splicing (PMID: 17576681, 9536098). Algorithms developed to predict the effect of sequence changes on RNA splicing suggest that this variant may disrupt the consensus splice site. In summary, the available evidence is currently insufficient to determine the role of this variant in disease. Therefore, it has been classified as a Variant of Uncertain Significance.

Literature cited by the submitters: PubMed 17576681; PubMed 9536098.

NM_145290.4(ADGRA3):c.920+3A>G

Gene: ADGRA3 (adhesion G protein-coupled receptor A3; minus strand). Cytogenetic location: 4p15.2.
Variant type: single nucleotide variant.
Coding change: c.920+3A>G on transcript NM_145290.4 (MANE Select); 3 bases into the intron after coding-DNA position 920, A replaced by G.
Molecular consequence: intron variant.
Genome position (GRCh38, 1-based): chr4:22,442,647, T>C on the plus strand (A>G on the coding strand, the complement: ADGRA3 is on the minus strand). VCF-style: chr4-22442647-T-C. GRCh37 (hg19) VCF-style: chr4-22444270-T-C.
Identifiers: ClinVar variation 2870910 (VCV002870910.3), dbSNP rs370244178, ClinGen allele CA2874112.